The following is an entry in ClinVar:

NM_178822.5(IGSF10):c.7568T>C (p.Ile2523Thr)

Gene: IGSF10 (immunoglobulin superfamily member 10; minus strand). Cytogenetic location: 3q25.1.
Variant type: single nucleotide variant.
Coding change: c.7568T>C on transcript NM_178822.5 (MANE Select); coding-DNA position 7568, T replaced by C.
Protein change: p.Ile2523Thr; replaces isoleucine 2523 with threonine.
Molecular consequence: missense variant.
Genome position (GRCh38, 1-based): chr3:151,436,993, A>G on the plus strand (T>C on the coding strand, the complement: IGSF10 is on the minus strand). VCF-style: chr3-151436993-A-G. GRCh37 (hg19) VCF-style: chr3-151154781-A-G.
Other names: c.1505T>C, p.Ile502Thr (NM_001178145.3, NM_001178146.3); c.7568T>C, p.Ile2523Thr (NM_001385060.1, NM_001385061.1, NM_001385062.1 and 1 more transcripts); short protein forms I2523T, I502T.
Identifiers: ClinVar variation 732950 (VCV000732950.12), dbSNP rs114975613, ClinGen allele CA2669228.
Genomic context (GRCh38, chr3:151,436,993, plus strand): 5'-CCTGTCCTGGTGACAATACTCCTGGGTGGACGATTTGTAATTCGGGGAGGGTAGGCTACA[A>G]TCATTACTGGAACAGTAATCAGTGTATGACCAACACTATTTTGAGCCTTACAGATATAGT-3'
Protein context (NP_849144.2, residues 2513-2533): GHTLITVPVM[Ile2523Thr]VAYPPRITNR

ClinVar aggregate classification (germline): Benign/Likely benign. Review status: criteria provided, multiple submitters, no conflicts (2 of 4 stars). 4 submissions from 4 submitters: Benign (2); Likely benign (1). 1 of the submissions does not count toward it. Last evaluated 2026-01-19.

Conditions:
IGSF10-related disorder. Also called: IGSF10-related condition.

Allele frequency attached by ClinVar (database versions not stated): gnomAD exomes 0.00043 and 0.00098; ExAC 0.00115; 1000 Genomes Project 0.00300; 1000 Genomes Project 30x 0.00312; gnomAD 0.00437 and 0.00465; TOPMed 0.00487; ESP Exome Variant Server 0.00500.
gnomAD v4.1: 1,332 of 1,614,230 alleles (0.083%); highest among the groups gnomAD compares: African/African-American, 1.5%; 8 homozygotes.

Submissions (4):

Labcorp Genetics (formerly Invitae), Labcorp
Classification: Benign. Last evaluated: 2026-01-19. Review status: criteria provided, single submitter. Criteria: Invitae Variant Classification Sherloc (09022015). Collection method: clinical testing. Allele origin: germline.

Genomic Medicine Center of Excellence, King Faisal Specialist Hospital and Research Centre
Classification: Likely benign. Last evaluated: 2025-08-18. Review status: criteria provided, single submitter. Criteria: ACMG Guidelines, 2015. Collection method: clinical testing. Allele origin: germline.

Breakthrough Genomics
Classification: Benign. Review status: criteria provided, single submitter. Criteria: ACMG Guidelines, 2015. Collection method: not provided. Allele origin: germline. Inheritance: Unknown mechanism. Affected: yes.

PreventionGenetics, part of Exact Sciences
Classification: Benign for IGSF10-related condition. Last evaluated: 2019-06-13. Review status: no assertion criteria provided. Collection method: clinical testing. Allele origin: germline. Not counted in ClinVar's aggregate classification.
Comment: This variant is classified as benign based on ACMG/AMP sequence variant interpretation guidelines (Richards et al. 2015 PMID: 25741868, with internal and published modifications).